The following is an entry in ClinVar:

NM_000287.4(PEX6):c.1922A>C (p.His641Pro)

Gene: PEX6 (peroxisomal biogenesis factor 6; minus strand). Cytogenetic location: 6p21.1.
Variant type: single nucleotide variant.
Coding change: c.1922A>C on transcript NM_000287.4 (MANE Select); coding-DNA position 1922, A replaced by C.
Protein change: p.His641Pro; replaces histidine 641 with proline.
Molecular consequence: missense variant. On other transcripts: non-coding transcript variant (1).
Genome position (GRCh38, 1-based): chr6:42,966,821, T>G on the plus strand (A>C on the coding strand, the complement: PEX6 is on the minus strand). VCF-style: chr6-42966821-T-G. GRCh37 (hg19) VCF-style: chr6-42934559-T-G.
Other names: c.1658A>C, p.His553Pro (NM_001316313.2); c.1922A>C (NM_000287.3); short protein forms H553P, H641P.
Identifiers: ClinVar variation 2417596 (VCV002417596.7), dbSNP rs762836356, ClinGen allele CA3811179.

ClinVar aggregate classification (germline): Uncertain significance. Review status: criteria provided, multiple submitters, no conflicts (2 of 4 stars). 3 submissions from 3 submitters: Uncertain significance (3). Last evaluated 2022-12-30.

Conditions:
Peroxisome biogenesis disorder. Identifiers: Orphanet 79189, MedGen C1832200, MONDO:0019234. Disease mechanism: loss of function.
PEX6-related disorder. Also called: PEX6-related disorders; PEX6-related condition.

Allele frequency attached by ClinVar (database versions not stated): gnomAD exomes below 0.00001; gnomAD 0.00001; TOPMed 0.00001; ExAC 0.00002.
gnomAD v4.1: 2 of 1,613,382 alleles (0.00012%); highest among the groups gnomAD compares: African/African-American, 0.0013%; no homozygotes.

Submissions (3):

Blueprint Genetics
Classification: Uncertain significance. Last evaluated: 2022-12-30. Review status: criteria provided, single submitter. Criteria: ACMG Guidelines, 2015. Collection method: clinical testing. Allele origin: germline.

PreventionGenetics, part of Exact Sciences
Classification: Uncertain significance for PEX6-related condition. Last evaluated: 2022-09-07. Review status: criteria provided, single submitter. Criteria: ACMG Guidelines, 2015. Collection method: clinical testing. Allele origin: germline.
Comment: The PEX6 c.1922A>C variant is predicted to result in the amino acid substitution p.His641Pro. To our knowledge, this variant has not been reported in the literature. This variant is reported in 0.0018% of alleles in individuals of European (Non-Finnish) descent in gnomAD. At this time, the clinical significance of this variant is uncertain due to the absence of conclusive functional and genetic evidence.

Labcorp Genetics (formerly Invitae), Labcorp
Classification: Uncertain significance for Peroxisome biogenesis disorder. Last evaluated: 2022-06-13. Review status: criteria provided, single submitter. Criteria: Invitae Variant Classification Sherloc (09022015). Collection method: clinical testing. Allele origin: germline.
Comment: This sequence change replaces histidine, which is basic and polar, with proline, which is neutral and non-polar, at codon 641 of the PEX6 protein (p.His641Pro). This variant is present in population databases (rs762836356, gnomAD 0.002%). This variant has not been reported in the literature in individuals affected with PEX6-related conditions. Algorithms developed to predict the effect of missense changes on protein structure and function (SIFT, PolyPhen-2, Align-GVGD) all suggest that this variant is likely to be tolerated. In summary, the available evidence is currently insufficient to determine the role of this variant in disease. Therefore, it has been classified as a Variant of Uncertain Significance.